The following is an entry in ClinVar:

NM_004415.4(DSP):c.7529del (p.Gly2510fs)

Gene: DSP (desmoplakin; plus strand). Cytogenetic location: 6p24.3.
Variant type: Deletion.
Coding change: c.7529del on transcript NM_004415.4 (MANE Select); coding-DNA position 7529, one base deleted (G; older notation c.7529delG).
Protein change: p.Gly2510fs; shifts the reading frame from glycine 2510.
Molecular consequence: frameshift variant.
Genome position (GRCh38, 1-based): chr6:7,584,791, G deleted; the last of 3 consecutive G bases (chr6:7,584,789-7,584,791); deleting any one gives the same sequence. VCF-style (leftmost placement, unchanged base first): chr6-7584788-CG-C. GRCh37 (hg19) VCF-style: chr6-7585021-CG-C.
Other names: c.5732del, p.Gly1911fs (NM_001008844.3); c.6200del, p.Gly2067fs (NM_001319034.2); short protein forms G2067fs, G1911fs, G2510fs.
Identifiers: ClinVar variation 1406294 (VCV001406294.6), dbSNP rs2113702487, ClinGen allele CA2573140822.

ClinVar aggregate classification (germline): Pathogenic (1 of 4 stars; one submission).

Conditions:
Arrhythmogenic cardiomyopathy with wooly hair and keratoderma. Also called: Dilated cardiomyopathy with woolly hair and keratoderma; PALMOPLANTAR KERATODERMA WITH LEFT VENTRICULAR CARDIOMYOPATHY AND WOOLLY HAIR; Carvajal syndrome; Arrhythmogenic cardiomyopathy with woolly hair and keratoderma. Identifiers: Orphanet 65282, MedGen C1854063, MONDO:0011581, OMIM 605676.
Arrhythmogenic right ventricular dysplasia 8 (ARVD8). Also called: Arrhythmogenic Right Ventricular Dysplasia/Cardiomyopathy 8; ARRHYTHMOGENIC RIGHT VENTRICULAR DYSPLASIA, FAMILIAL, 8; ARRHYTHMOGENIC RIGHT VENTRICULAR CARDIOMYOPATHY 8. Identifiers: MedGen C1843896, MONDO:0011831, OMIM 607450.

Submission:

Labcorp Genetics (formerly Invitae), Labcorp
Classification: Pathogenic for Arrhythmogenic cardiomyopathy with wooly hair and keratoderma; Arrhythmogenic right ventricular dysplasia 8. Last evaluated: 2021-11-04. Review status: criteria provided, single submitter. Criteria: Invitae Variant Classification Sherloc (09022015). Collection method: clinical testing. Allele origin: germline.
Comment: This variant has not been reported in the literature in individuals affected with DSP-related conditions. For these reasons, this variant has been classified as Pathogenic. This variant disrupts a region of the DSP protein in which other variant(s) (p.Glu2728Glyfs*11) have been determined to be pathogenic (Invitae). This suggests that this is a clinically significant region of the protein, and that variants that disrupt it are likely to be disease-causing. This variant is not present in population databases (gnomAD no frequency). This sequence change creates a premature translational stop signal (p.Gly2510Aspfs*11) in the DSP gene. While this is not anticipated to result in nonsense mediated decay, it is expected to disrupt the last 362 amino acid(s) of the DSP protein.